The following is an entry in ClinVar:

NM_005530.3(IDH3A):c.614G>A (p.Arg205Gln)

Gene: IDH3A (isocitrate dehydrogenase (NAD(+)) 3 catalytic subunit alpha; plus strand). Cytogenetic location: 15q25.1.
Variant type: single nucleotide variant.
Coding change: c.614G>A on transcript NM_005530.3 (MANE Select); coding-DNA position 614, G replaced by A.
Protein change: p.Arg205Gln; replaces arginine 205 with glutamine.
Molecular consequence: missense variant.
Genome position (GRCh38, 1-based): chr15:78,163,509, G>A. VCF-style: chr15-78163509-G-A. GRCh37 (hg19) VCF-style: chr15-78455851-G-A.
Other names: short protein forms R205Q.
Identifiers: ClinVar variation 1937427 (VCV001937427.5), dbSNP rs781686326, ClinGen allele CA7680632.
Genomic context (GRCh38, chr15:78,163,509, plus strand): 5'-TGATTCTTTTCTTTCTGTAAGACTTTTTTTTCAGCAGTTTTTATTTGATTAAATACAGGC[G>A]GATGTCAGATGGGCTTTTTCTACAAAAATGCAGGGAAGTTGCAGAAAGCTGTAAAGATAT-3'
Protein context (NP_005521.1, residues 195-215): VTAVHKANIM[Arg205Gln]MSDGLFLQKC

ClinVar aggregate classification (germline): Uncertain significance (1 of 4 stars; one submission).

Allele frequency attached by ClinVar (database versions not stated): gnomAD exomes 0.00001; ExAC 0.00003.
gnomAD v4.1: 15 of 1,604,840 alleles (0.00093%); highest among the groups gnomAD compares: East Asian, 0.0045%; no homozygotes.

Submission:

Labcorp Genetics (formerly Invitae), Labcorp
Classification: Uncertain significance. Last evaluated: 2022-09-19. Review status: criteria provided, single submitter. Criteria: Invitae Variant Classification Sherloc (09022015). Collection method: clinical testing. Allele origin: germline.
Comment: In summary, the available evidence is currently insufficient to determine the role of this variant in disease. Therefore, it has been classified as a Variant of Uncertain Significance. Algorithms developed to predict the effect of sequence changes on RNA splicing suggest that this variant may create or strengthen a splice site. Algorithms developed to predict the effect of missense changes on protein structure and function (SIFT, PolyPhen-2, Align-GVGD) all suggest that this variant is likely to be disruptive. This variant has not been reported in the literature in individuals affected with IDH3A-related conditions. This variant is present in population databases (rs781686326, gnomAD 0.03%). This sequence change replaces arginine, which is basic and polar, with glutamine, which is neutral and polar, at codon 205 of the IDH3A protein (p.Arg205Gln).